The following is an entry in ClinVar:

ClinVar aggregate classification (germline): Uncertain significance (1 of 4 stars; one submission).

gnomAD v4.1: 6 of 1,499,220 alleles (0.0004%); highest among the groups gnomAD compares: South Asian, 0.0037%; no homozygotes.

Submission:

Ambry Genetics
Classification: Uncertain significance. Last evaluated: 2022-12-18. Review status: criteria provided, single submitter. Criteria: Ambry Variant Classification Scheme 2023. Collection method: clinical testing. Allele origin: germline.
Comment: The p.G3S variant (also known as c.7G>A), located in coding exon 1 of the PRKDC gene, results from a G to A substitution at nucleotide position 7. The glycine at codon 3 is replaced by serine, an amino acid with similar properties. This amino acid position is conserved. In addition, this alteration is predicted to be tolerated by in silico analysis. Since supporting evidence is limited at this time, the clinical significance of this alteration remains unclear.

NM_006904.7(PRKDC):c.7G>A (p.Gly3Ser)

Genes: PRKDC (protein kinase, DNA-activated, catalytic subunit; minus strand), LOC129929030 (ATAC-STARR-seq lymphoblastoid silent region 19177; plus strand). Cytogenetic location: 8q11.21.
Variant type: single nucleotide variant.
Coding change: c.7G>A on transcript NM_006904.7 (MANE Select); coding-DNA position 7, G replaced by A.
Protein change: p.Gly3Ser; replaces glycine 3 with serine.
Molecular consequence: missense variant.
Genome position (GRCh38, 1-based): chr8:47,960,120, C>T on the plus strand (G>A on the coding strand, the complement: PRKDC is on the minus strand). VCF-style: chr8-47960120-C-T. GRCh37 (hg19) VCF-style: chr8-48872680-C-T.
Other names: c.7G>A, p.Gly3Ser (NM_001081640.2); short protein forms G3S.
Identifiers: ClinVar variation 2497396 (VCV002497396.2), dbSNP rs1372047743, ClinGen allele CA371143153.